The following is an entry in ClinVar:

ClinVar aggregate classification (germline): Uncertain significance. Review status: criteria provided, multiple submitters, no conflicts (2 of 4 stars). 2 submissions from 2 submitters: Uncertain significance (2). Last evaluated 2025-04-16.

gnomAD v4.1: 2 of 1,609,040 alleles (0.00012%); highest among the groups gnomAD compares: Non-Finnish European, 0.00017%; no homozygotes.

Submissions (2):

Ambry Genetics
Classification: Uncertain significance. Last evaluated: 2025-04-16. Review status: criteria provided, single submitter. Criteria: Ambry Variant Classification Scheme 2023. Collection method: clinical testing. Allele origin: germline.
Comment: The p.L9V variant (also known as c.25C>G), located in coding exon 1 of the RNF43 gene, results from a C to G substitution at nucleotide position 25. The leucine at codon 9 is replaced by valine, an amino acid with highly similar properties. This amino acid position is conserved. In addition, the in silico prediction for this alteration is inconclusive. Based on the available evidence, the clinical significance of this variant remains unclear.

Labcorp Genetics (formerly Invitae), Labcorp
Classification: Uncertain significance. Last evaluated: 2024-03-30. Review status: criteria provided, single submitter. Criteria: Invitae Variant Classification Sherloc (09022015). Collection method: clinical testing. Allele origin: germline.
Comment: This sequence change replaces leucine, which is neutral and non-polar, with valine, which is neutral and non-polar, at codon 9 of the RNF43 protein (p.Leu9Val). This variant is not present in population databases (gnomAD no frequency). This variant has not been reported in the literature in individuals affected with RNF43-related conditions. An algorithm developed to predict the effect of missense changes on protein structure and function (PolyPhen-2) suggests that this variant is likely to be disruptive. In summary, the available evidence is currently insufficient to determine the role of this variant in disease. Therefore, it has been classified as a Variant of Uncertain Significance.

NM_017763.6(RNF43):c.25C>G (p.Leu9Val)

Gene: RNF43 (ring finger protein 43; minus strand). Cytogenetic location: 17q22.
Variant type: single nucleotide variant.
Coding change: c.25C>G on transcript NM_017763.6 (MANE Select); coding-DNA position 25, C replaced by G.
Protein change: p.Leu9Val; replaces leucine 9 with valine.
Molecular consequence: missense variant.
Genome position (GRCh38, 1-based): chr17:58,415,553, G>C on the plus strand (C>G on the coding strand, the complement: RNF43 is on the minus strand). VCF-style: chr17-58415553-G-C. GRCh37 (hg19) VCF-style: chr17-56492914-G-C.
Other names: c.25C>G, p.Leu9Val (NM_001305544.3); short protein forms L9V.
Identifiers: ClinVar variation 3709337 (VCV003709337.3).
Genomic context (GRCh38, chr17:58,415,553, plus strand): 5'-CTGTGCGTCCAAAGCCTGCCTGCAGGGTAGCCATCAGCAGCCAGGGCCAGAGGGCAGCCA[G>C]CTGCAGCTGGTGGCCACCACTCATGCTACCAGCTGCAGCAATGCACTTCAACCATACATA-3'
Protein context (NP_060233.3, residues 1-19): MSGGHQLQ[Leu9Val]AALWPWLLMA